The following is an entry in ClinVar:

NM_000143.4(FH):c.1237-14_1237-9dup

Gene: FH (fumarate hydratase; minus strand). Cytogenetic location: 1q43.
Variant type: Duplication.
Coding change: c.1237-14_1237-9dup on transcript NM_000143.4 (MANE Select); 14 bases into the intron before coding-DNA position 1237 through 9 bases into the intron before coding-DNA position 1237, 6 bases duplicated (TCACTC; older notation c.1237-14_1237-9dupTCACTC).
Molecular consequence: intron variant.
Genome position (GRCh38, 1-based): chr1:241,500,599-241,500,604, GAGTGA duplicated on the plus strand (TCACTC on the coding strand, the reverse complement: FH is on the minus strand); duplicating any 6 consecutive bases within chr1:241,500,599-241,500,607 gives the same sequence; the c. name uses the placement nearest the transcript's 3' end. VCF-style (leftmost placement, unchanged base first): chr1-241500598-T-TGAGTGA. GRCh37 (hg19) VCF-style: chr1-241663898-T-TGAGTGA.
Other names: p.?; c.1237-14_1237-9dup6 (NM_000143.3); c.1237-14_1237-9dupTCACTC (NM_000143.3).
Identifiers: ClinVar variation 237109 (VCV000237109.35), dbSNP rs779985493, ClinGen allele CA1478492.

ClinVar aggregate classification (germline): Benign/Likely benign. Review status: criteria provided, multiple submitters, no conflicts (2 of 4 stars). 6 submissions from 6 submitters: Benign (1); Likely benign (3). 2 of the submissions do not count toward it. Last evaluated 2026-02-03.

Conditions:
FH-related disorder. Also called: FH-related condition; FH-related disorders.
Fumarase deficiency (FMRD). Also called: Fumarate Hydratase Deficiency; Fumaric aciduria. Identifiers: Orphanet 24, MedGen C0342770, MONDO:0011730, OMIM 606812.

Submissions (6):

Labcorp Genetics (formerly Invitae), Labcorp
Classification: Benign. Last evaluated: 2026-02-03. Review status: criteria provided, single submitter. Criteria: Invitae Variant Classification Sherloc (09022015). Collection method: clinical testing. Allele origin: germline.

Mayo Clinic Laboratories, Mayo Clinic
Classification: Likely benign. Last evaluated: 2025-06-03. Review status: criteria provided, single submitter. Criteria: ACMG Guidelines, 2015. Collection method: clinical testing. Allele origin: germline. Observed: 1 variant allele.
Comment: BP4, BP7

Blueprint Genetics
Classification: Likely benign. Last evaluated: 2024-11-26. Review status: criteria provided, single submitter. Criteria: ACMG Guidelines, 2015. Collection method: clinical testing. Allele origin: germline.

Genetic Services Laboratory, University of Chicago
Classification: Likely benign. Last evaluated: 2020-02-03. Review status: criteria provided, single submitter. Criteria: ACMG Guidelines, 2015. Collection method: clinical testing. Allele origin: germline. Affected: no.

PreventionGenetics, part of Exact Sciences
Classification: Likely benign for FH-related condition. Last evaluated: 2023-10-13. Review status: no assertion criteria provided. Collection method: clinical testing. Allele origin: germline. Not counted in ClinVar's aggregate classification.
Comment: This variant is classified as likely benign based on ACMG/AMP sequence variant interpretation guidelines (Richards et al. 2015 PMID: 25741868, with internal and published modifications).

Natera, Inc.
Classification: Likely benign for Fumarase Deficiency. Last evaluated: 2019-09-26. Review status: no assertion criteria provided. Collection method: clinical testing. Allele origin: germline. Not counted in ClinVar's aggregate classification.